The following is an entry in ClinVar:

ClinVar aggregate classification (germline): Pathogenic. Review status: criteria provided, multiple submitters, no conflicts (2 of 4 stars). 10 submissions from 10 submitters: Pathogenic (8). 2 of the submissions do not count toward it. Last evaluated 2026-09-21.

Conditions:
CNGA1-related disorder. Also called: CNGA1-related condition.
Retinal dystrophy. Also called: Inherited retinal dystrophy. Identifiers: Orphanet 71862, MedGen C0854723, MeSH D058499, MONDO:0019118, HP:0000556.
Retinitis pigmentosa (RP). Identifiers: Orphanet 791, MedGen C0035334, MeSH D012174, MONDO:0019200, OMIM 268000. Inheritance: Autosomal dominant, autosomal recessive and X linked inheritance.
Retinitis pigmentosa 49 (RP49). Identifiers: Orphanet 791, MedGen C3151059, MONDO:0013405, OMIM 613756.
Retinal disorder. Also called: Retinopathies; Retinal Diseases; Retinal disorders; Retinopathy. Identifiers: MedGen C0035309, MONDO:0005283, HP:0000488.

Allele frequency attached by ClinVar (database versions not stated): ExAC 0.00002; gnomAD exomes 0.00006; gnomAD 0.00009 and 0.00010; TOPMed 0.00009.
gnomAD v4.1: 51 of 1,594,202 alleles (0.0032%); highest among the groups gnomAD compares: Admixed American, 0.032%; no homozygotes.

Submissions (10):

PreventionGenetics, part of Exact Sciences
Classification: Pathogenic for CNGA1-related condition. Last evaluated: 2026-09-21. Review status: criteria provided, single submitter. Criteria: ACMG Guidelines, 2015. Collection method: clinical testing. Allele origin: germline.
Comment: The CNGA1 c.652C>T variant is predicted to result in premature protein termination (p.Arg218*). This variant can also be denoted as c.859C>T (p.Arg287*) in transcript NM_001142564. This variant has been reported in individuals with retinitis pigmentosa (Table S1, Maeda et al. 2018. PubMed ID: 29785639; eTable 2, Lee et al. 2014. PubMed ID: 25326637; Table S2, Sharon et al. 2020. PubMed ID: 31456290). This variant is present in 0.020% of alleles in individuals of Latino descent in gnomAD. Nonsense variants in CNGA1 are an established mechanism of disease. This variant is interpreted as pathogenic.

Genetics Laboratory, Great Ormond Street Hospital NHS Foundation Trust, North Thames Genomic Laboratory Hub
Classification: Pathogenic for Retinal disorders. Last evaluated: 2026-02-10. Review status: criteria provided, single submitter. Criteria: ACGS Best Practice Guidelines for Variant Classification in Rare Disease 2024 v1.2. Collection method: clinical testing. Allele origin: germline. Affected: yes.
Comment: PM2_moderate, PVS1_very-strong

Labcorp Genetics (formerly Invitae), Labcorp
Classification: Pathogenic. Last evaluated: 2026-01-17. Review status: criteria provided, single submitter. Criteria: Invitae Variant Classification Sherloc (09022015). Collection method: clinical testing. Allele origin: germline.
Comment: This sequence change creates a premature translational stop signal (p.Arg218*) in the CNGA1 gene. While this is not anticipated to result in nonsense mediated decay, it is expected to disrupt the last 473 amino acid(s) of the CNGA1 protein. This variant is present in population databases (rs759781200, gnomAD 0.02%). This premature translational stop signal has been observed in individual(s) with retinitis pigmentosa (PMID: 25326637, 29785639). ClinVar contains an entry for this variant (Variation ID: 242520). Algorithms developed to predict the effect of sequence changes on RNA splicing suggest that this variant may disrupt the consensus splice site. This variant disrupts a region of the CNGA1 protein in which other variant(s) (p.Arg424*, p.Arg493*) have been determined to be pathogenic (PMID: 26496393). This suggests that this is a clinically significant region of the protein, and that variants that disrupt it are likely to be disease-causing. For these reasons, this variant has been classified as Pathogenic.

Fulgent Genetics
Classification: Pathogenic for Retinitis pigmentosa 49. Last evaluated: 2024-05-19. Review status: criteria provided, single submitter. Criteria: ACMG Guidelines, 2015. Collection method: clinical testing. Allele origin: germline.

Blueprint Genetics
Classification: Pathogenic for CNGA1-related disorders. Last evaluated: 2024-01-11. Review status: criteria provided, single submitter. Criteria: ACMG Guidelines, 2015. Collection method: clinical testing. Allele origin: germline. Affected: yes. Observed: 5 variant alleles.

Dasa
Classification: Pathogenic for Retinitis pigmentosa 49. Last evaluated: 2022-11-03. Review status: criteria provided, single submitter. Criteria: ACMG Guidelines, 2015. Collection method: clinical testing. Allele origin: germline. Affected: yes. Observed: 1 variant allele.
Comment: The c.652C>T;p.Arg218* variant creates a premature translational stop signal in the CNGA1 gene. It is expected to result in an absent or disrupted protein product - PVS1. This sequence change has been observed in affected individual(s) and ClinVar contains an entry for this variant (ClinVar ID: 242520; PMID: 25326637, PMID: 29785639) - PS4. The variant is present at low allele frequencies population databases (rs759781200 – gnomAD 0.0005714%; ABraOM 0.000427 frequency) - PM2_supporting. In summary, the currently available evidence indicates that the variant is pathogenic.

Ocular Genomics Institute, Massachusetts Eye and Ear
Classification: Pathogenic for Retinitis pigmentosa 49. Last evaluated: 2021-04-08. Review status: criteria provided, single submitter. Criteria: ACMG Guidelines, 2015. Collection method: research. Allele origin: germline. Affected: yes.
Comment: Through a review of available evidence we were able to apply the following criteria: PVS1, PM2, PM3. Based on this evidence we have classified this variant as Pathogenic.

Mendelics
Classification: Pathogenic for Retinitis pigmentosa. Last evaluated: 2019-05-28. Review status: criteria provided, single submitter. Criteria: Mendelics Assertion Criteria 2017. Collection method: clinical testing. Allele origin: unknown.

Sharon lab, Hadassah-Hebrew University Medical Center
Classification: Pathogenic for Retinitis pigmentosa. Last evaluated: 2019-06-23. Review status: no assertion criteria provided. Collection method: research. Allele origin: inherited. Affected: yes. Not counted in ClinVar's aggregate classification.

Institute of Human Genetics, Univ. Regensburg, Univ. Regensburg
Classification: Pathogenic for Retinal dystrophy. Last evaluated: 2019-01-01. Review status: no assertion criteria provided. Criteria: ACMG Guidelines, 2015. Collection method: clinical testing. Allele origin: germline. Affected: yes. Not counted in ClinVar's aggregate classification.

Literature cited by the submitters: PubMed 25326637 (cited by Labcorp Genetics (formerly Invitae), Labcorp and Dasa); PubMed 29785639 (cited by Labcorp Genetics (formerly Invitae), Labcorp and Dasa); PubMed 26496393 (cited by Labcorp Genetics (formerly Invitae), Labcorp).

NM_001379270.1(CNGA1):c.640C>T (p.Arg214Ter)

Genes: CNGA1 (cyclic nucleotide gated channel subunit alpha 1; minus strand), LOC101927157 (uncharacterized LOC101927157; plus strand). Cytogenetic location: 4p12.
Variant type: single nucleotide variant.
Coding change: c.640C>T on transcript NM_001379270.1 (MANE Select); coding-DNA position 640, C replaced by T.
Protein change: p.Arg214Ter; replaces arginine 214 with a stop codon.
Molecular consequence: nonsense.
Genome position (GRCh38, 1-based): chr4:47,940,775, G>A on the plus strand (C>T on the coding strand, the complement: CNGA1 is on the minus strand). VCF-style: chr4-47940775-G-A. GRCh37 (hg19) VCF-style: chr4-47942792-G-A.
Other names: c.640C>T, p.Arg214Ter (NM_000087.5, NM_001142564.2); short protein forms R287*, R214*.
Identifiers: ClinVar variation 242520 (VCV000242520.18), dbSNP rs759781200, ClinGen allele CA351306.